The following is an entry in ClinVar:

ClinVar aggregate classification (germline): Pathogenic (1 of 4 stars; one submission).

Conditions:
Ellis-van Creveld syndrome (EVC). Also called: MESOECTODERMAL DYSPLASIA; EVC-Related Ellis-van Creveld Syndrome; EVC2-Related Ellis-van Creveld Syndrome; Chondroectodermal dysplasia. Identifiers: Orphanet 289, MedGen C0013903, MONDO:0009162, OMIM 225500.
Curry-Hall syndrome (WAD). Also called: WEYERS ACRODENTAL DYSOSTOSIS. Identifiers: Orphanet 952, MedGen C0457013, MONDO:0008673, OMIM 193530.

Submission:

Labcorp Genetics (formerly Invitae), Labcorp
Classification: Pathogenic for Curry-Hall syndrome; Ellis-van Creveld syndrome. Last evaluated: 2019-11-19. Review status: criteria provided, single submitter. Criteria: Invitae Variant Classification Sherloc (09022015). Collection method: clinical testing. Allele origin: germline.
Comment: This variant is not present in population databases (ExAC no frequency). For these reasons, this variant has been classified as Pathogenic. Loss-of-function variants in EVC2 are known to be pathogenic (PMID: 17024374, 19810119, 19876929). This variant has not been reported in the literature in individuals with EVC2-related conditions. This sequence change creates a premature translational stop signal (p.Thr1116Asnfs*57) in the EVC2 gene. It is expected to result in an absent or disrupted protein product.

Literature cited by the submitters: PubMed 17024374; PubMed 19810119; PubMed 19876929.

NM_147127.5(EVC2):c.3346dup (p.Thr1116fs)

Gene: EVC2 (EvC ciliary complex subunit 2; minus strand). Cytogenetic location: 4p16.2.
Variant type: Duplication.
Coding change: c.3346dup on transcript NM_147127.5 (MANE Select); coding-DNA position 3346, one base duplicated (A; older notation c.3346dupA).
Protein change: p.Thr1116fs; shifts the reading frame from threonine 1116.
Molecular consequence: frameshift variant.
Genome position (GRCh38, 1-based): chr4:5,574,699, T duplicated on the plus strand (A on the coding strand, the reverse complement: EVC2 is on the minus strand); the first of 2 consecutive T bases (chr4:5,574,699-5,574,700); duplicating either gives the same sequence. VCF-style (leftmost placement, unchanged base first): chr4-5574698-G-GT. GRCh37 (hg19) VCF-style: chr4-5576425-G-GT.
Other names: c.3106dup, p.Thr1036fs (NM_001166136.2); short protein forms T1116fs, T1036fs.
Identifiers: ClinVar variation 851655 (VCV000851655.8), dbSNP rs1722814486, ClinGen allele CA916082634.